The following is an entry in ClinVar:

ClinVar aggregate classification (germline): Uncertain significance. Review status: criteria provided, multiple submitters, no conflicts (2 of 4 stars). 2 submissions from 2 submitters: Uncertain significance (2). Last evaluated 2026-07-06.

Conditions:
Hereditary cancer-predisposing syndrome. Also called: Hereditary Cancer Syndrome; Neoplastic Syndromes, Hereditary; Hereditary neoplastic syndrome; Tumor predisposition. Identifiers: Orphanet 140162, MedGen C0027672, MeSH D009386, MONDO:0015356.

Submissions (2):

Ambry Genetics
Classification: Uncertain significance for Hereditary cancer-predisposing syndrome. Last evaluated: 2026-07-06. Review status: criteria provided, single submitter. Criteria: Ambry Variant Classification Scheme 2023. Collection method: clinical testing. Allele origin: germline.
Comment: The p.E74K variant (also known as c.220G>A), located in coding exon 2 of the NTHL1 gene, results from a G to A substitution at nucleotide position 220. The glutamic acid at codon 74 is replaced by lysine, an amino acid with similar properties. This amino acid position is conserved. In addition, this alteration is predicted to be tolerated by in silico analysis. Based on the available evidence, the clinical significance of this variant remains unclear.

Labcorp Genetics (formerly Invitae), Labcorp
Classification: Uncertain significance. Last evaluated: 2024-07-24. Review status: criteria provided, single submitter. Criteria: Invitae Variant Classification Sherloc (09022015). Collection method: clinical testing. Allele origin: germline.
Comment: This sequence change replaces glutamic acid, which is acidic and polar, with lysine, which is basic and polar, at codon 74 of the NTHL1 protein (p.Glu74Lys). This variant is not present in population databases (gnomAD no frequency). This variant has not been reported in the literature in individuals affected with NTHL1-related conditions. ClinVar contains an entry for this variant (Variation ID: 1422075). An algorithm developed to predict the effect of missense changes on protein structure and function (PolyPhen-2) suggests that this variant is likely to be tolerated. In summary, the available evidence is currently insufficient to determine the role of this variant in disease. Therefore, it has been classified as a Variant of Uncertain Significance.

NM_002528.7(NTHL1):c.196G>A (p.Glu66Lys)

Gene: NTHL1 (nth like DNA glycosylase 1; minus strand). Cytogenetic location: 16p13.3.
Variant type: single nucleotide variant.
Coding change: c.196G>A on transcript NM_002528.7 (MANE Select); coding-DNA position 196, G replaced by A.
Protein change: p.Glu66Lys; replaces glutamic acid 66 with lysine.
Molecular consequence: missense variant. On other transcripts: synonymous variant (1).
Genome position (GRCh38, 1-based): chr16:2,046,286, C>T on the plus strand (G>A on the coding strand, the complement: NTHL1 is on the minus strand). VCF-style: chr16-2046286-C-T. GRCh37 (hg19) VCF-style: chr16-2096287-C-T.
Other names: c.196G>A, p.Glu66Lys (NM_001318193.2); c.18G>A, p.Val6= (NM_001318194.2); c.220G>A (NM_002528.5); short protein forms E66K.
Identifiers: ClinVar variation 1422075 (VCV001422075.7), dbSNP rs2150946772, ClinGen allele CA394297653.